The following is an entry in ClinVar:

ClinVar aggregate classification (germline): Uncertain significance (1 of 4 stars; one submission).

Allele frequency attached by ClinVar (database versions not stated): gnomAD exomes 0.00001; TOPMed 0.00001; gnomAD 0.00001.
gnomAD v4.1: 9 of 1,604,446 alleles (0.00056%); highest among the groups gnomAD compares: African/African-American, 0.0013%; no homozygotes.

Submission:

Labcorp Genetics (formerly Invitae), Labcorp
Classification: Uncertain significance. Last evaluated: 2025-06-09. Review status: criteria provided, single submitter. Criteria: Invitae Variant Classification Sherloc (09022015). Collection method: clinical testing. Allele origin: germline.
Comment: This sequence change replaces arginine, which is basic and polar, with cysteine, which is neutral and slightly polar, at codon 1519 of the SNRNP200 protein (p.Arg1519Cys). The frequency data for this variant in the population databases is considered unreliable, as metrics indicate poor data quality at this position in the gnomAD database. This variant has not been reported in the literature in individuals affected with SNRNP200-related conditions. ClinVar contains an entry for this variant (Variation ID: 2116559). Invitae Evidence Modeling of protein sequence and biophysical properties (such as structural, functional, and spatial information, amino acid conservation, physicochemical variation, residue mobility, and thermodynamic stability) indicates that this missense variant is expected to disrupt SNRNP200 protein function with a positive predictive value of 95%. In summary, the available evidence is currently insufficient to determine the role of this variant in disease. Therefore, it has been classified as a Variant of Uncertain Significance.

NM_014014.5(SNRNP200):c.4555C>T (p.Arg1519Cys)

Gene: SNRNP200 (small nuclear ribonucleoprotein U5 subunit 200; minus strand). Cytogenetic location: 2q11.2.
Variant type: single nucleotide variant.
Coding change: c.4555C>T on transcript NM_014014.5 (MANE Select); coding-DNA position 4555, C replaced by T.
Protein change: p.Arg1519Cys; replaces arginine 1519 with cysteine.
Molecular consequence: missense variant.
Genome position (GRCh38, 1-based): chr2:96,283,842, G>A on the plus strand (C>T on the coding strand, the complement: SNRNP200 is on the minus strand). VCF-style: chr2-96283842-G-A. GRCh37 (hg19) VCF-style: chr2-96949580-G-A.
Other names: short protein forms R1519C.
Identifiers: ClinVar variation 2116559 (VCV002116559.4), dbSNP rs963285920, ClinGen allele CA52391608.
Genomic context (GRCh38, chr2:96,283,842, plus strand): 5'-CCCACAGACGGATGAGGAGAGTGGGTCCTACCTGGATGTGCAGCTCCAAGGGGACGGGAC[G>A]CACATTGGGATGGAAGTTGAAGGTGGAGGTGGCACTGCAGCCCAGCCAGTGGGCCACATC-3'
Protein context (NP_054733.2, residues 1509-1529): TSTFNFHPNV[Arg1519Cys]PVPLELHIQG